The following is an entry in ClinVar:

NM_022095.4(ZNF335):c.3445A>G (p.Ile1149Val)

Gene: ZNF335 (zinc finger protein 335; minus strand). Cytogenetic location: 20q13.12.
Variant type: single nucleotide variant.
Coding change: c.3445A>G on transcript NM_022095.4 (MANE Select); coding-DNA position 3445, A replaced by G.
Protein change: p.Ile1149Val; replaces isoleucine 1149 with valine.
Molecular consequence: missense variant.
Genome position (GRCh38, 1-based): chr20:45,950,261, T>C on the plus strand (A>G on the coding strand, the complement: ZNF335 is on the minus strand). VCF-style: chr20-45950261-T-C. GRCh37 (hg19) VCF-style: chr20-44578900-T-C.
Other names: short protein forms I1149V.
Identifiers: ClinVar variation 212650 (VCV000212650.17), dbSNP rs143113106, ClinGen allele CA208213.
Genomic context (GRCh38, chr20:45,950,261, plus strand): 5'-GCCCCAGGGGCAGCTCACTGTGCAGGGTGGCCAGTGTTTCGTCATCACTGTTCAGGATGA[T>C]GGTCTGGGTTGGGGTCTGGGTAGGGGCCCGGGCTGTAGGGGTTCCTGACTTCCTCCCATC-3'
Protein context (NP_071378.1, residues 1139-1159): RAPTQTPTQT[Ile1149Val]ILNSDDETLA

ClinVar aggregate classification (germline): Conflicting classifications of pathogenicity. Review status: criteria provided, conflicting classifications (1 of 4 stars). 3 submissions from 3 submitters: Uncertain significance (1); Likely benign (1). 1 of the submissions does not count toward it. Last evaluated 2025-09-12.

Conditions:
ZNF335-related disorder. Also called: ZNF335-related condition.

Allele frequency attached by ClinVar (database versions not stated): ESP Exome Variant Server 0.00015; TOPMed 0.00028; gnomAD exomes 0.00063 and 0.00075; ExAC 0.00080; 1000 Genomes Project 0.00160.
gnomAD v4.1: 954 of 1,551,276 alleles (0.061%); highest among the groups gnomAD compares: South Asian, 0.47%; 7 homozygotes.

Submissions (3):

Labcorp Genetics (formerly Invitae), Labcorp
Classification: Likely benign. Last evaluated: 2025-09-12. Review status: criteria provided, single submitter. Criteria: Invitae Variant Classification Sherloc (09022015). Collection method: clinical testing. Allele origin: germline.

Genetic Services Laboratory, University of Chicago
Classification: Uncertain significance. Last evaluated: 2014-12-12. Review status: criteria provided, single submitter. Criteria: ACMG Guidelines, 2015. Collection method: clinical testing. Allele origin: germline.

PreventionGenetics, part of Exact Sciences
Classification: Likely benign for ZNF335-related condition. Last evaluated: 2022-02-01. Review status: no assertion criteria provided. Collection method: clinical testing. Allele origin: germline. Not counted in ClinVar's aggregate classification.
Comment: This variant is classified as likely benign based on ACMG/AMP sequence variant interpretation guidelines (Richards et al. 2015 PMID: 25741868, with internal and published modifications).